The following is an entry in ClinVar:

NM_014159.7(SETD2):c.2879A>G (p.Gln960Arg)

Gene: SETD2 (SET domain containing 2, histone lysine methyltransferase; minus strand). Cytogenetic location: 3p21.31.
Variant type: single nucleotide variant.
Coding change: c.2879A>G on transcript NM_014159.7 (MANE Select); coding-DNA position 2879, A replaced by G.
Protein change: p.Gln960Arg; replaces glutamine 960 with arginine.
Molecular consequence: missense variant. On other transcripts: non-coding transcript variant (1).
Genome position (GRCh38, 1-based): chr3:47,121,757, T>C on the plus strand (A>G on the coding strand, the complement: SETD2 is on the minus strand). VCF-style: chr3-47121757-T-C. GRCh37 (hg19) VCF-style: chr3-47163247-T-C.
Other names: c.2747A>G, p.Gln916Arg (NM_001349370.3); short protein forms Q916R, Q960R.
Identifiers: ClinVar variation 2636735 (VCV002636735.1), dbSNP rs2106659959, ClinGen allele CA352524732.

ClinVar aggregate classification (germline): Uncertain significance (1 of 4 stars; one submission).

Conditions:
SETD2-related disorder.

Allele frequency attached by ClinVar (database versions not stated): gnomAD exomes below 0.00001.
gnomAD v4.1: 1 of 1,614,168 alleles (0.000062%); highest among the groups gnomAD compares: Non-Finnish European, 0.000085%; no homozygotes.

Submission:

PreventionGenetics, part of Exact Sciences
Classification: Uncertain significance for SETD2-related condition. Last evaluated: 2023-09-18. Review status: criteria provided, single submitter. Criteria: ACMG Guidelines, 2015. Collection method: clinical testing. Allele origin: germline.
Comment: The SETD2 c.2879A>G variant is predicted to result in the amino acid substitution p.Gln960Arg. To our knowledge, this variant has not been reported in the literature or in a large population database, indicating this variant is rare. At this time, the clinical significance of this variant is uncertain due to the absence of conclusive functional and genetic evidence.